The following is an entry in ClinVar:

ClinVar aggregate classification (germline): Likely benign. Review status: criteria provided, multiple submitters, no conflicts (2 of 4 stars). 2 submissions from 2 submitters: Likely benign (2). Last evaluated 2025-04-29.

Conditions:
Charcot-Marie-Tooth disease axonal type 2O. Also called: CHARCOT-MARIE-TOOTH NEUROPATHY, AXONAL, TYPE 2O; CHARCOT-MARIE-TOOTH DISEASE, AXONAL, AUTOSOMAL DOMINANT, TYPE 2O; Charcot-Marie-Tooth disease, axonal, type 20; Charcot-Marie-Tooth Neuropathy Type 2O. Identifiers: Orphanet 284232, MedGen C3280220, MONDO:0013644, OMIM 614228.

Allele frequency attached by ClinVar (database versions not stated): ExAC 0.00001; gnomAD 0.00001; gnomAD exomes 0.00001.
gnomAD v4.1: 16 of 1,613,982 alleles (0.00099%); highest among the groups gnomAD compares: Middle Eastern, 0.033%; no homozygotes.

Submissions (2):

Labcorp Genetics (formerly Invitae), Labcorp
Classification: Likely benign for Charcot-Marie-Tooth disease axonal type 2O. Last evaluated: 2025-04-29. Review status: criteria provided, single submitter. Criteria: Invitae Variant Classification Sherloc (09022015). Collection method: clinical testing. Allele origin: germline.

GeneDx
Classification: Likely benign. Last evaluated: 2016-06-30. Review status: criteria provided, single submitter. Criteria: GeneDx Variant Classification (06012015). Collection method: clinical testing. Allele origin: germline. Affected: yes.
Comment: This variant is considered likely benign or benign based on one or more of the following criteria: it is a conservative change, it occurs at a poorly conserved position in the protein, it is predicted to be benign by multiple in silico algorithms, and/or has population frequency not consistent with disease.

NM_001376.5(DYNC1H1):c.8259C>T (p.Arg2753=)

Gene: DYNC1H1 (dynein cytoplasmic 1 heavy chain 1; plus strand). Cytogenetic location: 14q32.31.
Variant type: single nucleotide variant.
Coding change: c.8259C>T on transcript NM_001376.5 (MANE Select); coding-DNA position 8259, C replaced by T.
Protein change: p.Arg2753=; no amino-acid change (arginine 2753 retained).
Molecular consequence: synonymous variant.
Genome position (GRCh38, 1-based): chr14:102,018,532, C>T. VCF-style: chr14-102018532-C-T. GRCh37 (hg19) VCF-style: chr14-102484869-C-T.
Identifiers: ClinVar variation 387309 (VCV000387309.8), dbSNP rs752418713, ClinGen allele CA7352984.